The following is an entry in ClinVar:

NM_001267550.2(TTN):c.56807G>A (p.Arg18936Gln)

Genes: TTN (titin; minus strand), TTN-AS1 (TTN antisense RNA 1; plus strand). Cytogenetic location: 2q31.2.
Variant type: single nucleotide variant.
Coding change: c.56807G>A on transcript NM_001267550.2 (MANE Select); coding-DNA position 56807, G replaced by A.
Protein change: p.Arg18936Gln; replaces arginine 18936 with glutamine.
Molecular consequence: missense variant.
Genome position (GRCh38, 1-based): chr2:178,598,903, C>T on the plus strand (G>A on the coding strand, the complement: TTN is on the minus strand). VCF-style: chr2-178598903-C-T. GRCh37 (hg19) VCF-style: chr2-179463630-C-T.
Other names: c.51884G>A, p.Arg17295Gln (NM_001256850.1); c.29612G>A, p.Arg9871Gln (NM_003319.4); c.49103G>A, p.Arg16368Gln (NM_133378.4); c.29987G>A, p.Arg9996Gln (NM_133432.3); c.30188G>A, p.Arg10063Gln (NM_133437.4); short protein forms R17295Q, R18936Q, R9996Q, R9871Q, R10063Q, R16368Q.
Identifiers: ClinVar variation 515308 (VCV000515308.1), dbSNP rs745914315, ClinGen allele CA1993179.

ClinVar aggregate classification (germline): Likely benign (1 of 4 stars; one submission).

Allele frequency attached by ClinVar (database versions not stated): TOPMed 0.00001; gnomAD 0.00002; gnomAD exomes 0.00003 and 0.00004; ExAC 0.00005.
gnomAD v4.1: 40 of 1,612,994 alleles (0.0025%); highest among the groups gnomAD compares: East Asian, 0.0045%; no homozygotes.

Submission:

GeneDx
Classification: Likely benign. Last evaluated: 2018-02-01. Review status: criteria provided, single submitter. Criteria: GeneDx Variant Classification (06012015). Collection method: clinical testing. Allele origin: germline. Affected: yes.
Comment: This variant is considered likely benign or benign based on one or more of the following criteria: it is a conservative change, it occurs at a poorly conserved position in the protein, it is predicted to be benign by multiple in silico algorithms, and/or has population frequency not consistent with disease.